The following is an entry in ClinVar:

NM_001101.5(ACTB):c.532C>T (p.Leu178=)

Gene: ACTB (actin beta; minus strand). Cytogenetic location: 7p22.1.
Variant type: single nucleotide variant.
Coding change: c.532C>T on transcript NM_001101.5 (MANE Select); coding-DNA position 532, C replaced by T.
Protein change: p.Leu178=; no amino-acid change (leucine 178 retained).
Molecular consequence: synonymous variant.
Genome position (GRCh38, 1-based): chr7:5,528,551, G>A on the plus strand (C>T on the coding strand, the complement: ACTB is on the minus strand). VCF-style: chr7-5528551-G-A. GRCh37 (hg19) VCF-style: chr7-5568182-G-A.
Identifiers: ClinVar variation 3032321 (VCV003032321.3), dbSNP rs757655665, ClinGen allele CA4146992.

ClinVar aggregate classification (germline): Likely benign. Review status: criteria provided, single submitter (1 of 4 stars). 2 submissions from 2 submitters: Likely benign (1). 1 of the submissions does not count toward it. Last evaluated 2025-08-24.

Conditions:
Baraitser-Winter syndrome 1 (BRWS1). Also called: BARAITSER-WINTER SYNDROME 1, ATYPICAL; PACHYGYRIA, MENTAL RETARDATION, EPILEPSY, AND CHARACTERISTIC FACIES; MENTAL RETARDATION WITH EPILEPSY AND CHARACTERISTIC FACIES; Cerebrofrontofacial syndrome. Identifiers: Orphanet 2649, Orphanet 2995, MedGen C1855722, MONDO:0009470, OMIM 243310.
ACTB-related disorder. Also called: ACTB-related condition; ACTB-related disorders.

Allele frequency attached by ClinVar (database versions not stated): ExAC 0.00001; gnomAD exomes 0.00001.

Submissions (2):

Labcorp Genetics (formerly Invitae), Labcorp
Classification: Likely benign for Baraitser-Winter syndrome 1. Last evaluated: 2025-08-24. Review status: criteria provided, single submitter. Criteria: Invitae Variant Classification Sherloc (09022015). Collection method: clinical testing. Allele origin: germline.

PreventionGenetics, part of Exact Sciences
Classification: Likely benign for ACTB-related condition. Last evaluated: 2020-09-17. Review status: no assertion criteria provided. Collection method: clinical testing. Allele origin: germline. Not counted in ClinVar's aggregate classification.
Comment: This variant is classified as likely benign based on ACMG/AMP sequence variant interpretation guidelines (Richards et al. 2015 PMID: 25741868, with internal and published modifications).